The following is an entry in ClinVar:

ClinVar aggregate classification (germline): Uncertain significance (1 of 4 stars; one submission).

Conditions:
Brugada syndrome 8 (BRGDA8). Identifiers: Orphanet 130, MedGen C2751083, MONDO:0013148, OMIM 613123.

Submission:

Labcorp Genetics (formerly Invitae), Labcorp
Classification: Uncertain significance for Brugada syndrome 8. Last evaluated: 2025-09-09. Review status: criteria provided, single submitter. Criteria: Invitae Variant Classification Sherloc (09022015). Collection method: clinical testing. Allele origin: germline.
Comment: This sequence change replaces phenylalanine, which is neutral and non-polar, with leucine, which is neutral and non-polar, at codon 1119 of the HCN4 protein (p.Phe1119Leu). This variant is present in population databases (no rsID available, gnomAD 0.002%). This variant has not been reported in the literature in individuals affected with HCN4-related conditions. An algorithm developed to predict the effect of missense changes on protein structure and function outputs the following: PolyPhen-2: "Benign". The leucine amino acid residue is found in multiple mammalian species, which suggests that this missense change does not adversely affect protein function. In summary, the available evidence is currently insufficient to determine the role of this variant in disease. Therefore, it has been classified as a Variant of Uncertain Significance.

NM_005477.3(HCN4):c.3355T>C (p.Phe1119Leu)

Gene: HCN4 (hyperpolarization activated cyclic nucleotide gated potassium channel 4; minus strand). Cytogenetic location: 15q24.1.
Variant type: single nucleotide variant.
Coding change: c.3355T>C on transcript NM_005477.3 (MANE Select); coding-DNA position 3355, T replaced by C.
Protein change: p.Phe1119Leu; replaces phenylalanine 1119 with leucine.
Molecular consequence: missense variant.
Genome position (GRCh38, 1-based): chr15:73,322,738, A>G on the plus strand (T>C on the coding strand, the complement: HCN4 is on the minus strand). VCF-style: chr15-73322738-A-G. GRCh37 (hg19) VCF-style: chr15-73615079-A-G.
Other names: short protein forms F1119L.
Identifiers: ClinVar variation 4694011 (VCV004694011.1).